The following is an entry in ClinVar:

NM_016222.4(DDX41):c.1467_1470dup (p.Val491fs)

Gene: DDX41 (DEAD-box helicase 41; minus strand). Cytogenetic location: 5q35.3.
Variant type: Duplication.
Coding change: c.1467_1470dup on transcript NM_016222.4 (MANE Select); coding-DNA positions 1467 to 1470, 4 bases duplicated (AGAC; older notation c.1467_1470dupAGAC).
Protein change: p.Val491fs; shifts the reading frame from valine 491.
Molecular consequence: frameshift variant.
Genome position (GRCh38, 1-based): chr5:177,512,575-177,512,578, GTCT duplicated on the plus strand (AGAC on the coding strand, the reverse complement: DDX41 is on the minus strand); duplicating any 4 consecutive bases within chr5:177,512,575-177,512,580 gives the same sequence; the c. name uses the placement nearest the transcript's 3' end. VCF-style (leftmost placement, unchanged base first): chr5-177512574-C-CGTCT. GRCh37 (hg19) VCF-style: chr5-176939575-C-CGTCT.
Other names: c.1089_1092dup, p.Val365fs (NM_001321732.2, NM_001321830.2); short protein forms V365fs, V491fs.
Identifiers: ClinVar variation 4710892 (VCV004710892.1).

ClinVar aggregate classification (germline): Pathogenic (1 of 4 stars; one submission).

Submission:

Labcorp Genetics (formerly Invitae), Labcorp
Classification: Pathogenic. Last evaluated: 2026-01-12. Review status: criteria provided, single submitter. Criteria: Invitae Variant Classification Sherloc (09022015). Collection method: clinical testing. Allele origin: germline.
Comment: This sequence change creates a premature translational stop signal (p.Val491Argfs*19) in the DDX41 gene. It is expected to result in an absent or disrupted protein product. Loss-of-function variants in DDX41 are known to be pathogenic (PMID: 26712909, 27133828). This variant is not present in population databases (gnomAD no frequency). This variant has not been reported in the literature in individuals affected with DDX41-related conditions. For these reasons, this variant has been classified as Pathogenic.

Literature cited by the submitters: PubMed 26712909; PubMed 27133828.